The following is an entry in ClinVar:

ClinVar aggregate classification (germline): Uncertain significance (1 of 4 stars; one submission).

gnomAD v4.1: 9 of 1,612,008 alleles (0.00056%); highest among the groups gnomAD compares: Admixed American, 0.0017%; no homozygotes.

Submission:

Women's Health and Genetics/Laboratory Corporation of America, LabCorp
Classification: Uncertain significance. Last evaluated: 2024-05-17. Review status: criteria provided, single submitter. Criteria: LabCorp Variant Classification Summary - May 2015. Collection method: clinical testing. Allele origin: germline.
Comment: Variant summary: SPG7 c.1594G>A (p.Ala532Thr) results in a non-conservative amino acid change located in the AAA ATPase, AAA+ lid domain (IPR041569) of the encoded protein sequence. Five of five in-silico tools predict a damaging effect of the variant on protein function. The variant allele was found at a frequency of 4e-06 in 249554 control chromosomes. The available data on variant occurrences in the general population are insufficient to allow any conclusion about variant significance. c.1594G>A has been reported in the literature in an individual affected with Optic Neuropathy (Charif_2021). These report(s) do not provide unequivocal conclusions about association of the variant with Hereditary Spastic Paraplegia 7. To our knowledge, no experimental evidence demonstrating an impact on protein function has been reported. The following publication have been ascertained in the context of this evaluation (PMID: 33841295). No submitters have cited clinical-significance assessments for this variant to ClinVar. Based on the evidence outlined above, the variant was classified as uncertain significance.

Literature cited by the submitters: PubMed 33841295.

NM_003119.4(SPG7):c.1594G>A (p.Ala532Thr)

Gene: SPG7 (SPG7 matrix AAA peptidase subunit, paraplegin; plus strand). Cytogenetic location: 16q24.3.
Variant type: single nucleotide variant.
Coding change: c.1594G>A on transcript NM_003119.4 (MANE Select); coding-DNA position 1594, G replaced by A.
Protein change: p.Ala532Thr; replaces alanine 532 with threonine.
Molecular consequence: missense variant.
Genome position (GRCh38, 1-based): chr16:89,548,044, G>A. VCF-style: chr16-89548044-G-A. GRCh37 (hg19) VCF-style: chr16-89614452-G-A.
Other names: c.1594G>A, p.Ala532Thr (NM_001363850.1); short protein forms A532T.
Identifiers: ClinVar variation 3336519 (VCV003336519.1).
Genomic context (GRCh38, chr16:89,548,044, plus strand): 5'-TGGCTGTTTGTGTTGACAGGGGCTGACATCGCCAACATCTGCAATGAGGCTGCGCTGCAC[G>A]CGGCGCGGGAGGGACACACTTCCGTGCACACTCTCAACTTCGAGTACGCCGTGGAGCGCG-3'
Protein context (NP_003110.1, residues 522-542): ANICNEAALH[Ala532Thr]AREGHTSVHT